The following is an entry in ClinVar:

NM_000038.6(APC):c.5833G>A (p.Ala1945Thr)

Gene: APC (APC regulator of Wnt signaling pathway; plus strand). Cytogenetic location: 5q22.2.
Variant type: single nucleotide variant.
Coding change: c.5833G>A on transcript NM_000038.6 (MANE Select); coding-DNA position 5833, G replaced by A.
Protein change: p.Ala1945Thr; replaces alanine 1945 with threonine.
Molecular consequence: missense variant.
Genome position (GRCh38, 1-based): chr5:112,841,427, G>A. VCF-style: chr5-112841427-G-A. GRCh37 (hg19) VCF-style: chr5-112177124-G-A.
Other names: c.5833G>A, p.Ala1945Thr (NM_001127510.3, NM_001354895.2); c.5779G>A, p.Ala1927Thr (NM_001127511.3); c.5887G>A, p.Ala1963Thr (NM_001354896.2); c.5863G>A, p.Ala1955Thr (NM_001354897.2); c.5758G>A, p.Ala1920Thr (NM_001354898.2); c.5749G>A, p.Ala1917Thr (NM_001354899.2); c.5710G>A, p.Ala1904Thr (NM_001354900.2); c.5656G>A, p.Ala1886Thr (NM_001354901.2); and 5 more; short protein forms A1854T, A1886T, A1904T, A1917T, A1963T, A1662T, A1785T, A1819T.
Identifiers: ClinVar variation 928446 (VCV000928446.11), dbSNP rs781383259, ClinGen allele CA16034091.
Genomic context (GRCh38, chr5:112,841,427, plus strand): 5'-CCCATACTTCAGAAACAATCCACTTTTCCCCAGTCATCCAAAGACATACCAGACAGAGGG[G>A]CAGCAACTGATGAAAAGTTACAGAATTTTGCTATTGAAAATACTCCGGTTTGCTTTTCTC-3'
Protein context (NP_000029.2, residues 1935-1955): QSSKDIPDRG[Ala1945Thr]ATDEKLQNFA

ClinVar aggregate classification (germline): Uncertain significance. Review status: criteria provided, multiple submitters, no conflicts (2 of 4 stars). 4 submissions from 4 submitters: Uncertain significance (4). Last evaluated 2023-10-17.

Conditions:
Hereditary cancer-predisposing syndrome. Also called: Neoplastic Syndromes, Hereditary; Hereditary Cancer Syndrome; Tumor predisposition; Hereditary neoplastic syndrome. Identifiers: Orphanet 140162, MedGen C0027672, MeSH D009386, MONDO:0015356.
Classic or attenuated familial adenomatous polyposis. Identifiers: MedGen CN372698, MONDO:0021057.
Familial adenomatous polyposis 1 (FAP1). Also called: FAMILIAL ADENOMATOUS POLYPOSIS 1, ATTENUATED; POLYPOSIS, ADENOMATOUS INTESTINAL. Identifiers: MedGen C2713442, MONDO:0021056, OMIM 175100. Disease mechanism: loss of function.

Submissions (4):

Ambry Genetics
Classification: Uncertain significance for Hereditary cancer-predisposing syndrome. Last evaluated: 2023-10-17. Review status: criteria provided, single submitter. Criteria: Ambry Variant Classification Scheme 2023. Collection method: clinical testing. Allele origin: germline.
Comment: The p.A1945T variant (also known as c.5833G>A), located in coding exon 15 of the APC gene, results from a G to A substitution at nucleotide position 5833. The alanine at codon 1945 is replaced by threonine, an amino acid with similar properties. This amino acid position is not well conserved in available vertebrate species. In addition, in silico predictors for this gene do not accurately predict pathogenicity. Since supporting evidence is limited at this time, the clinical significance of this alteration remains unclear.

Labcorp Genetics (formerly Invitae), Labcorp
Classification: Uncertain significance for Familial adenomatous polyposis 1. Last evaluated: 2023-07-18. Review status: criteria provided, single submitter. Criteria: Invitae Variant Classification Sherloc (09022015). Collection method: clinical testing. Allele origin: germline.
Comment: This sequence change replaces alanine, which is neutral and non-polar, with threonine, which is neutral and polar, at codon 1945 of the APC protein (p.Ala1945Thr). This variant is not present in population databases (gnomAD no frequency). This variant has not been reported in the literature in individuals affected with APC-related conditions. ClinVar contains an entry for this variant (Variation ID: 928446). Advanced modeling of protein sequence and biophysical properties (such as structural, functional, and spatial information, amino acid conservation, physicochemical variation, residue mobility, and thermodynamic stability) performed at Invitae indicates that this missense variant is not expected to disrupt APC protein function. In summary, the available evidence is currently insufficient to determine the role of this variant in disease. Therefore, it has been classified as a Variant of Uncertain Significance.

All of Us Research Program, National Institutes of Health
Classification: Uncertain significance for Classic or attenuated familial adenomatous polyposis. Last evaluated: 2023-05-16. Review status: criteria provided, single submitter. Criteria: ACMG Guidelines, 2015. Collection method: clinical testing. Allele origin: germline. Inheritance: Autosomal dominant inheritance. Observed: 1 variant allele, 1 heterozygote.
Comment: This missense variant replaces alanine with threonine at codon 1945 of the APC protein. Computational prediction suggests that this variant may not impact protein structure and function (internally defined REVEL score threshold <= 0.5, PMID: 27666373). Splice site prediction tools suggest that this variant may not impact RNA splicing. To our knowledge, functional studies have not been performed for this variant. This variant has not been reported in individuals affected with hereditary cancer in the literature. This variant has not been identified in the general population by the Genome Aggregation Database (gnomAD). The available evidence is insufficient to determine the role of this variant in disease conclusively. Therefore, this variant is classified as a Variant of Uncertain Significance.

This study involves interpretation of variants in research participants for the purpose of population health screening. Participant phenotype was not available at the time of variant classification. Additional details can be found in publication PMID: 35346344, PMCID: PMC8962531

Color Diagnostics, LLC DBA Color Health
Classification: Uncertain significance for Hereditary cancer-predisposing syndrome. Last evaluated: 2023-05-04. Review status: criteria provided, single submitter. Criteria: ACMG Guidelines, 2015. Collection method: clinical testing. Allele origin: germline.
Comment: This missense variant replaces alanine with threonine at codon 1945 of the APC protein. Computational prediction suggests that this variant may not impact protein structure and function (internally defined REVEL score threshold <= 0.5, PMID: 27666373). To our knowledge, functional studies have not been reported for this variant. This variant has not been reported in individuals affected with APC-related disorders in the literature. This variant has not been identified in the general population by the Genome Aggregation Database (gnomAD). The available evidence is insufficient to determine the role of this variant in disease conclusively. Therefore, this variant is classified as a Variant of Uncertain Significance.